The following is an entry in ClinVar:

NM_000548.5(TSC2):c.849-14G>T

Gene: TSC2 (TSC complex subunit 2; plus strand). Cytogenetic location: 16p13.3.
Variant type: single nucleotide variant.
Coding change: c.849-14G>T on transcript NM_000548.5 (MANE Select); 14 bases into the intron before coding-DNA position 849, G replaced by T.
Molecular consequence: intron variant.
Genome position (GRCh38, 1-based): chr16:2,058,733, G>T. VCF-style: chr16-2058733-G-T. GRCh37 (hg19) VCF-style: chr16-2108734-G-T.
Other names: c.-583-14G>T (NM_001406693.1, NM_001406689.1, NM_001406690.1 and 4 more transcripts); c.939-14G>T (NM_001406667.1, NM_001406668.1); c.249-14G>T (NM_001406680.1, NM_001406683.1, NM_001406687.1 and 6 more transcripts); c.-759-14G>T (NM_001406698.1); c.849-14G>T (NM_001114382.3, NM_001406663.1, NM_001406664.1 and 6 more transcripts); c.-464-14G>T (NM_001406694.1, NM_001406695.1); c.837-14G>T (NM_001406671.1, NM_001406673.1); c.387-14G>T (NM_001406681.1); and 4 more.
Identifiers: ClinVar variation 4071099 (VCV004071099.1).

ClinVar aggregate classification (germline): Likely benign (1 of 4 stars; one submission).

Conditions:
Tuberous sclerosis 2 (TSC2). Identifiers: Orphanet 805, MedGen C1860707, MONDO:0013199, OMIM 613254.

gnomAD v4.1: 1 of 1,573,742 alleles (0.000064%); highest among the groups gnomAD compares: East Asian, 0.0023%; no homozygotes.

Submission:

Myriad Genetics, Inc.
Classification: Likely benign for Tuberous sclerosis 2. Last evaluated: 2025-05-12. Review status: criteria provided, single submitter. Criteria: Myriad Autosomal Dominant, Autosomal Recessive and X-Linked Classification Criteria (2023). Collection method: clinical testing. Allele origin: unknown.
Comment: This variant is considered likely benign. This variant is intronic and is not expected to impact mRNA splicing.